The following is an entry in ClinVar:

ClinVar aggregate classification (germline): Uncertain significance. Review status: criteria provided, multiple submitters, no conflicts (2 of 4 stars). 6 submissions from 6 submitters: Uncertain significance (5). 1 of the submissions does not count toward it. Last evaluated 2026-05-22.

Conditions:
High myopia-sensorineural deafness syndrome. Also called: Deafness and myopia. Identifiers: Orphanet 363396, MedGen C3806275, MONDO:0009082, OMIM 221200.

Allele frequency attached by ClinVar (database versions not stated): ExAC 0.00012; gnomAD exomes 0.00013; TOPMed 0.00014; gnomAD 0.00015; 1000 Genomes Project 0.00020; 1000 Genomes Project 30x 0.00031.

Submissions (6):

GeneDx
Classification: Uncertain significance. Last evaluated: 2026-05-22. Review status: criteria provided, single submitter. Criteria: GeneDx Variant Classification Process June 2021. Collection method: clinical testing. Allele origin: germline.
Comment: In silico analysis suggests that this missense variant does not alter protein structure/function; Has not been previously published as pathogenic or benign to our knowledge

CeGaT Center for Human Genetics Tuebingen
Classification: Uncertain significance. Last evaluated: 2025-12-01. Review status: criteria provided, single submitter. Criteria: CeGaT Center For Human Genetics Tuebingen Variant Classification Criteria Version 2. Collection method: clinical testing. Allele origin: germline. Affected: yes. Observed: 1 variant allele.

Blueprint Genetics
Classification: Uncertain significance. Last evaluated: 2024-08-15. Review status: criteria provided, single submitter. Criteria: ACMG Guidelines, 2015. Collection method: clinical testing. Allele origin: germline.

Labcorp Genetics (formerly Invitae), Labcorp
Classification: Uncertain significance. Last evaluated: 2022-10-17. Review status: criteria provided, single submitter. Criteria: Invitae Variant Classification Sherloc (09022015). Collection method: clinical testing. Allele origin: germline.
Comment: This sequence change replaces arginine, which is basic and polar, with histidine, which is basic and polar, at codon 635 of the SLITRK6 protein (p.Arg635His). This variant is present in population databases (rs79624852, gnomAD 0.09%). This variant has not been reported in the literature in individuals affected with SLITRK6-related conditions. ClinVar contains an entry for this variant (Variation ID: 592101). Algorithms developed to predict the effect of missense changes on protein structure and function (SIFT, PolyPhen-2, Align-GVGD) all suggest that this variant is likely to be disruptive. In summary, the available evidence is currently insufficient to determine the role of this variant in disease. Therefore, it has been classified as a Variant of Uncertain Significance.

Laboratory for Molecular Medicine, Mass General Brigham Personalized Medicine
Classification: Uncertain significance. Last evaluated: 2020-11-25. Review status: criteria provided, single submitter. Criteria: LMM Criteria. Collection method: clinical testing. Allele origin: germline. Observed: 1 variant allele.
Comment: The p.Arg635His variant in SLITRK6 has not been previously reported in individuals with genetic deafness but has been identified in 0.01% (10/10306) of Ashkenazi Jewish chromosomes by gnomAD. This variant has also been reported in ClinVar (Variation ID 592101). Another variant at the same position, p.Arg635Cys, has been reported as a de novo variant in 2 individuals with autism (Li 2016 PMID 28407358, Iossifov 2014 PMID 25363768). Computational prediction tools and conservation analyses suggest that this variant may impact the protein, though this information is not predictive enough to determine pathogenicity. In summary, the clinical significance of this variant is uncertain. ACMG/AMP Criteria applied: PM2_Supporting PP3.

Biochemical Molecular Genetic Laboratory, King Abdulaziz Medical City
Classification: Uncertain significance for High myopia-sensorineural deafness syndrome. Last evaluated: 2018-05-22. Review status: no assertion criteria provided. Collection method: clinical testing. Allele origin: germline. Affected: yes. Not counted in ClinVar's aggregate classification.

Literature cited by the submitters: PubMed 25363768 (cited by Laboratory for Molecular Medicine, Mass General Brigham Personalized Medicine); PubMed 28407358 (cited by Laboratory for Molecular Medicine, Mass General Brigham Personalized Medicine).

NM_032229.3(SLITRK6):c.1904G>A (p.Arg635His)

Gene: SLITRK6 (SLIT and NTRK like family member 6; minus strand). Cytogenetic location: 13q31.1.
Variant type: single nucleotide variant.
Coding change: c.1904G>A on transcript NM_032229.3 (MANE Select); coding-DNA position 1904, G replaced by A.
Protein change: p.Arg635His; replaces arginine 635 with histidine.
Molecular consequence: missense variant.
Genome position (GRCh38, 1-based): chr13:85,794,605, C>T on the plus strand (G>A on the coding strand, the complement: SLITRK6 is on the minus strand). VCF-style: chr13-85794605-C-T. GRCh37 (hg19) VCF-style: chr13-86368740-C-T.
Other names: short protein forms R635H.
Identifiers: ClinVar variation 592101 (VCV000592101.15), dbSNP rs79624852, ClinGen allele CA7014996.
Genomic context (GRCh38, chr13:85,794,605, plus strand): 5'-TGCACAGGACTGTTGTCTCTCATTTGCTCATCTACTTGTTTCTTTTTGTATCTTCTCCTG[C>T]GGTGAAGAACAAGAACCACTATCCCTGCAGCACAGAAAACAATAGTGATGAACATAATCA-3'
Protein context (NP_115605.2, residues 625-645): AAGIVVLVLH[Arg635His]RRRYKKKQVD